The following is an entry in ClinVar:

NM_000038.6(APC):c.3138T>C (p.Asn1046=)

Gene: APC (APC regulator of Wnt signaling pathway; plus strand). Cytogenetic location: 5q22.2.
Variant type: single nucleotide variant.
Coding change: c.3138T>C on transcript NM_000038.6 (MANE Select); coding-DNA position 3138, T replaced by C.
Protein change: p.Asn1046=; no amino-acid change (asparagine 1046 retained).
Molecular consequence: synonymous variant. On other transcripts: non-coding transcript variant (2).
Genome position (GRCh38, 1-based): chr5:112,838,732, T>C. VCF-style: chr5-112838732-T-C. GRCh37 (hg19) VCF-style: chr5-112174429-T-C.
Other names: c.3138T>C, p.Asn1046= (NM_001127510.3, NM_001354895.2, NM_001407450.1); c.3084T>C, p.Asn1028= (NM_001127511.3); c.3192T>C, p.Asn1064= (NM_001354896.2, NM_001407447.1, NM_001407448.1 and 1 more transcripts); c.3168T>C, p.Asn1056= (NM_001354897.2); c.3063T>C, p.Asn1021= (NM_001354898.2); c.3054T>C, p.Asn1018= (NM_001354899.2); c.3015T>C, p.Asn1005= (NM_001354900.2); c.2961T>C, p.Asn987= (NM_001354901.2, NM_001407453.1); and 11 more.
Identifiers: ClinVar variation 1728041 (VCV001728041.4), dbSNP rs1765342541, ClinGen allele CA445963199.

ClinVar aggregate classification (germline): Benign/Likely benign. Review status: criteria provided, multiple submitters, no conflicts (2 of 4 stars). 3 submissions from 3 submitters: Benign (1); Likely benign (2). Last evaluated 2024-08-28.

Conditions:
Hereditary cancer-predisposing syndrome. Also called: Tumor predisposition; Neoplastic Syndromes, Hereditary; Hereditary Cancer Syndrome; Hereditary neoplastic syndrome. Identifiers: Orphanet 140162, MedGen C0027672, MeSH D009386, MONDO:0015356.
Familial adenomatous polyposis 1 (FAP1). Also called: FAMILIAL ADENOMATOUS POLYPOSIS 1, ATTENUATED; POLYPOSIS, ADENOMATOUS INTESTINAL. Identifiers: MedGen C2713442, MONDO:0021056, OMIM 175100. Disease mechanism: loss of function.

Allele frequency attached by ClinVar (database versions not stated): gnomAD 0.00001.
gnomAD v4.1: 2 of 1,614,028 alleles (0.00012%); highest among the groups gnomAD compares: Admixed American, 0.0033%; no homozygotes.

Submissions (3):

Labcorp Genetics (formerly Invitae), Labcorp
Classification: Likely benign for Familial adenomatous polyposis 1. Last evaluated: 2024-08-28. Review status: criteria provided, single submitter. Criteria: Invitae Variant Classification Sherloc (09022015). Collection method: clinical testing. Allele origin: germline.

Myriad Genetics, Inc.
Classification: Benign for Familial adenomatous polyposis 1. Last evaluated: 2024-03-18. Review status: criteria provided, single submitter. Criteria: Myriad Autosomal Dominant, Autosomal Recessive and X-Linked Classification Criteria (2023). Collection method: clinical testing. Allele origin: unknown.
Comment: This variant is considered benign. This variant is a silent/synonymous amino acid change and it is not expected to impact splicing.

Ambry Genetics
Classification: Likely benign for Hereditary cancer-predisposing syndrome. Last evaluated: 2021-01-08. Review status: criteria provided, single submitter. Criteria: Ambry Variant Classification Scheme 2023. Collection method: clinical testing. Allele origin: germline.